The following is an entry in ClinVar:

NM_001375405.1(CEP120):c.2494A>G (p.Arg832Gly)

Gene: CEP120 (centrosomal protein 120; minus strand). Cytogenetic location: 5q23.2.
Variant type: single nucleotide variant.
Coding change: c.2494A>G on transcript NM_001375405.1 (MANE Select); coding-DNA position 2494, A replaced by G.
Protein change: p.Arg832Gly; replaces arginine 832 with glycine.
Molecular consequence: missense variant. On other transcripts: non-coding transcript variant (1).
Genome position (GRCh38, 1-based): chr5:123,364,582, T>C on the plus strand (A>G on the coding strand, the complement: CEP120 is on the minus strand). VCF-style: chr5-123364582-T-C. GRCh37 (hg19) VCF-style: chr5-122700276-T-C.
Other names: c.2416A>G, p.Arg806Gly (NM_001166226.2); c.2359A>G, p.Arg787Gly (NM_001375406.1); c.2494A>G, p.Arg832Gly (NM_001375407.1, NM_153223.4); c.1921A>G, p.Arg641Gly (NM_001375408.1, NM_001375409.1); short protein forms R787G, R806G, R641G, R832G.
Identifiers: ClinVar variation 1478006 (VCV001478006.8), dbSNP rs2127002614, ClinGen allele CA360897059.

ClinVar aggregate classification (germline): Uncertain significance (1 of 4 stars; one submission).

Conditions:
Short-rib thoracic dysplasia 13 with or without polydactyly (SRTD13). Identifiers: Orphanet 474, MedGen C4225378, MONDO:0014577, OMIM 616300.

Submission:

Labcorp Genetics (formerly Invitae), Labcorp
Classification: Uncertain significance for Short-rib thoracic dysplasia 13 with or without polydactyly. Last evaluated: 2024-10-29. Review status: criteria provided, single submitter. Criteria: Invitae Variant Classification Sherloc (09022015). Collection method: clinical testing. Allele origin: germline.
Comment: This sequence change replaces arginine, which is basic and polar, with glycine, which is neutral and non-polar, at codon 832 of the CEP120 protein (p.Arg832Gly). This variant is not present in population databases (gnomAD no frequency). This variant has not been reported in the literature in individuals affected with CEP120-related conditions. ClinVar contains an entry for this variant (Variation ID: 1478006). Invitae Evidence Modeling of protein sequence and biophysical properties (such as structural, functional, and spatial information, amino acid conservation, physicochemical variation, residue mobility, and thermodynamic stability) indicates that this missense variant is expected to disrupt CEP120 protein function with a positive predictive value of 80%. In summary, the available evidence is currently insufficient to determine the role of this variant in disease. Therefore, it has been classified as a Variant of Uncertain Significance.